The following is an entry in ClinVar:

ClinVar aggregate classification (germline): Uncertain significance (1 of 4 stars; one submission).

Conditions:
Inborn genetic diseases. Identifiers: MedGen C0950123, MeSH D030342.

Submission:

Ambry Genetics
Classification: Uncertain significance for Inborn genetic diseases. Last evaluated: 2026-05-31. Review status: criteria provided, single submitter. Criteria: Ambry Variant Classification Scheme 2023. Collection method: clinical testing. Allele origin: germline.
Comment: The p.H582P variant (also known as c.1745A>C), located in coding exon 13 of the FANCG gene, results from an A to C substitution at nucleotide position 1745. The histidine at codon 582 is replaced by proline, an amino acid with similar properties. This amino acid position is conserved. In addition, this alteration is predicted to be tolerated by in silico analysis. Based on the available evidence, the clinical significance of this variant remains unclear.

NM_004629.2(FANCG):c.1745A>C (p.His582Pro)

Gene: FANCG (FA complementation group G; minus strand). Cytogenetic location: 9p13.3.
Variant type: single nucleotide variant.
Coding change: c.1745A>C on transcript NM_004629.2 (MANE Select); coding-DNA position 1745, A replaced by C.
Protein change: p.His582Pro; replaces histidine 582 with proline.
Molecular consequence: missense variant.
Genome position (GRCh38, 1-based): chr9:35,074,386, T>G on the plus strand (A>C on the coding strand, the complement: FANCG is on the minus strand). VCF-style: chr9-35074386-T-G. GRCh37 (hg19) VCF-style: chr9-35074383-T-G.
Other names: short protein forms H582P.
Identifiers: ClinVar variation 4871014 (VCV004871014.1).